The following is an entry in ClinVar:

NM_005732.4(RAD50):c.1300_1306del (p.Asp434fs)

Gene: RAD50 (RAD50 double strand break repair protein; plus strand). Cytogenetic location: 5q31.1.
Variant type: Microsatellite.
Coding change: c.1300_1306del on transcript NM_005732.4 (MANE Select); coding-DNA positions 1300 to 1306, 7 bases deleted (GATAAGA; older notation c.1300_1306delGATAAGA).
Protein change: p.Asp434fs; shifts the reading frame from aspartic acid 434.
Molecular consequence: frameshift variant.
Genome position (GRCh38, 1-based): chr5:132,589,685-132,589,691, GATAAGA deleted; deleting any 7 consecutive bases within chr5:132,589,676-132,589,691 gives the same sequence; the c. name uses the placement nearest the transcript's 3' end. VCF-style (leftmost placement, unchanged base first): chr5-132589675-TGAGATAA-T. GRCh37 (hg19) VCF-style: chr5-131925367-TGAGATAA-T.
Other names: c.1300_1306del (NM_005732.3); short protein forms D434fs.
Identifiers: ClinVar variation 230850 (VCV000230850.15), dbSNP rs587780147, ClinGen allele CA3405153.
Genomic context (GRCh38, chr5:132,589,675, plus strand): 5'-TTACATATGCATTTAGAATGACTTTGCAGAAAAAGAGACTCTGAAACAAAAACAGATAGA[TGAGATAA>T]GAGATAAGAAAACTGGACTGGGAAGAATAATTGAGTTAAAATCAGAAATCCTAAGTAAGA-3'

ClinVar aggregate classification (germline): Pathogenic/Likely pathogenic. Review status: criteria provided, multiple submitters, no conflicts (2 of 4 stars). 3 submissions from 3 submitters: Pathogenic (2); Likely pathogenic (1). Last evaluated 2024-04-30.

Conditions:
Nijmegen breakage syndrome-like disorder (NBSLD). Also called: MICROCEPHALY AND SPONTANEOUS CHROMOSOME INSTABILITY WITHOUT IMMUNODEFICIENCY; NBS-LIKE DISORDER; RAD50 DEFICIENCY. Identifiers: Orphanet 240760, MedGen C2751318, MONDO:0013118, OMIM 613078.
Hereditary cancer-predisposing syndrome. Also called: Neoplastic Syndromes, Hereditary; Tumor predisposition; Hereditary Cancer Syndrome; Hereditary neoplastic syndrome. Identifiers: Orphanet 140162, MedGen C0027672, MeSH D009386, MONDO:0015356.

Submissions (3):

Fulgent Genetics
Classification: Likely pathogenic for Nijmegen breakage syndrome-like disorder. Last evaluated: 2024-04-30. Review status: criteria provided, single submitter. Criteria: ACMG Guidelines, 2015. Collection method: clinical testing. Allele origin: germline.

Labcorp Genetics (formerly Invitae), Labcorp
Classification: Pathogenic for Hereditary cancer-predisposing syndrome. Last evaluated: 2023-07-14. Review status: criteria provided, single submitter. Criteria: Invitae Variant Classification Sherloc (09022015). Collection method: clinical testing. Allele origin: germline.
Comment: For these reasons, this variant has been classified as Pathogenic. ClinVar contains an entry for this variant (Variation ID: 230850). This variant has not been reported in the literature in individuals affected with RAD50-related conditions. This variant is present in population databases (rs774833591, gnomAD 0.0009%). This sequence change creates a premature translational stop signal (p.Asp434Lysfs*7) in the RAD50 gene. It is expected to result in an absent or disrupted protein product. Loss-of-function variants in RAD50 are known to be pathogenic (PMID: 19409520).

Ambry Genetics
Classification: Pathogenic for Hereditary cancer-predisposing syndrome. Last evaluated: 2022-06-15. Review status: criteria provided, single submitter. Criteria: Ambry Variant Classification Scheme 2023. Collection method: clinical testing. Allele origin: germline.
Comment: The c.1300_1306delGATAAGA pathogenic mutation, located in coding exon 9 of the RAD50 gene, results from a deletion of 7 nucleotides at nucleotide positions 1300 to 1306, causing a translational frameshift with a predicted alternate stop codon (p.D434Kfs*7). This alteration is expected to result in loss of function by premature protein truncation or nonsense-mediated mRNA decay. As such, this alteration is interpreted as a disease-causing mutation.

Literature cited by the submitters: PubMed 19409520 (cited by Labcorp Genetics (formerly Invitae), Labcorp).